The following is an entry in ClinVar:

ClinVar aggregate classification (germline): Likely benign. Review status: criteria provided, multiple submitters, no conflicts (2 of 4 stars). 3 submissions from 3 submitters: Likely benign (2). 1 of the submissions does not count toward it. Last evaluated 2025-07-14.

Conditions:
SLC22A4-related disorder. Also called: SLC22A4-related condition.

Allele frequency attached by ClinVar (database versions not stated): TOPMed 0.00031; gnomAD exomes 0.00035 and 0.00053; ESP Exome Variant Server 0.00038; gnomAD 0.00038 and 0.00041; ExAC 0.00040.
gnomAD v4.1: 842 of 1,613,584 alleles (0.052%); highest among the groups gnomAD compares: Non-Finnish European, 0.06%; 1 homozygote.

Submissions (3):

Labcorp Genetics (formerly Invitae), Labcorp
Classification: Likely benign. Last evaluated: 2025-07-14. Review status: criteria provided, single submitter. Criteria: Invitae Variant Classification Sherloc (09022015). Collection method: clinical testing. Allele origin: germline.

Blueprint Genetics
Classification: Likely benign. Last evaluated: 2024-07-30. Review status: criteria provided, single submitter. Criteria: ACMG Guidelines, 2015. Collection method: clinical testing. Allele origin: germline.

PreventionGenetics, part of Exact Sciences
Classification: Likely benign for SLC22A4-related condition. Last evaluated: 2021-07-13. Review status: no assertion criteria provided. Collection method: clinical testing. Allele origin: germline. Not counted in ClinVar's aggregate classification.
Comment: This variant is classified as likely benign based on ACMG/AMP sequence variant interpretation guidelines (Richards et al. 2015 PMID: 25741868, with internal and published modifications).

NM_003059.3(SLC22A4):c.1445-8C>T

Genes: MIR3936HG (MIR3936 host gene; minus strand), SLC22A4 (solute carrier family 22 member 4; plus strand). Cytogenetic location: 5q31.1.
Variant type: single nucleotide variant.
Coding change: c.1445-8C>T on transcript NM_003059.3 (MANE Select); 8 bases into the intron before coding-DNA position 1445, C replaced by T.
Molecular consequence: intron variant.
Genome position (GRCh38, 1-based): chr5:132,340,557, C>T. VCF-style: chr5-132340557-C-T. GRCh37 (hg19) VCF-style: chr5-131676250-C-T.
Other names: c.1445-8C>T (NM_003059.2).
Identifiers: ClinVar variation 1628142 (VCV001628142.11), dbSNP rs372338512, ClinGen allele CA3403697.